The following is an entry in ClinVar:

ClinVar aggregate classification (germline): Pathogenic/Likely pathogenic. Review status: criteria provided, multiple submitters, no conflicts (2 of 4 stars). 6 submissions from 6 submitters: Pathogenic (3); Likely pathogenic (3). Last evaluated 2026-08-27.

Conditions:
ATP7B-related disorder. Also called: ATP7B-related condition.
Wilson disease (WND). Also called: Wilson's disease. Identifiers: Orphanet 905, MedGen C0019202, MONDO:0010200, OMIM 277900. Disease mechanism: loss of function.

Allele frequency attached by ClinVar (database versions not stated): TOPMed 0.00002; gnomAD exomes below 0.00001; gnomAD 0.00001.
gnomAD v4.1: 3 of 1,614,086 alleles (0.00019%); highest among the groups gnomAD compares: South Asian, 0.0022%; no homozygotes.

Submissions (6):

PreventionGenetics, part of Exact Sciences
Classification: Pathogenic for ATP7B-related condition. Last evaluated: 2026-08-27. Review status: criteria provided, single submitter. Criteria: ACMG Guidelines, 2015. Collection method: clinical testing. Allele origin: germline.
Comment: The ATP7B c.399G>A variant is predicted to result in premature protein termination (p.Trp133*). To our knowledge, this variant has not been reported in the literature or in a large population database (gnomAD), indicating this variant is rare. Nonsense variants in ATP7B are expected to be pathogenic. This variant is interpreted as pathogenic.

Labcorp Genetics (formerly Invitae), Labcorp
Classification: Pathogenic for Wilson disease. Last evaluated: 2025-10-23. Review status: criteria provided, single submitter. Criteria: Invitae Variant Classification Sherloc (09022015). Collection method: clinical testing. Allele origin: germline.
Comment: This sequence change creates a premature translational stop signal (p.Trp133*) in the ATP7B gene. It is expected to result in an absent or disrupted protein product. Loss-of-function variants in ATP7B are known to be pathogenic (PMID: 10441329, 16283883). This variant is not present in population databases (gnomAD no frequency). This variant has not been reported in the literature in individuals affected with ATP7B-related conditions. ClinVar contains an entry for this variant (Variation ID: 917710). For these reasons, this variant has been classified as Pathogenic.

Natera, Inc.
Classification: Likely pathogenic for Wilson disease. Last evaluated: 2025-04-17. Review status: criteria provided, single submitter. Criteria: Natera Variant Classification Schema (03/2026). Collection method: clinical testing. Allele origin: germline.
Comment: The c.399G>A variant in ATP7B is a nonsense variant predicted to introduce a stop codon at amino acid 133. This variant is expected to result in nonsense mediated decay, truncation, or a dysfunctional protein product. This variant is rare in the general population with a frequency below the threshold expected for the associated phenotype(s). Given the available evidence, this variant is classified as Likely Pathogenic.

All of Us Research Program, National Institutes of Health
Classification: Pathogenic for Wilson disease. Last evaluated: 2024-09-23. Review status: criteria provided, single submitter. Criteria: ACMG Guidelines, 2015. Collection method: clinical testing. Allele origin: germline. Inheritance: Autosomal recessive inheritance. Observed: 1 variant allele, 1 heterozygote.
Comment: This study involves interpretation of variants in research participants for the purpose of population health screening. Participant phenotype was not available at the time of variant classification. Additional details can be found in publication PMID: 35346344, PMCID: PMC8962531

Fulgent Genetics
Classification: Likely pathogenic for Wilson disease. Last evaluated: 2024-03-13. Review status: criteria provided, single submitter. Criteria: ACMG Guidelines, 2015. Collection method: clinical testing. Allele origin: germline.

Women's Health and Genetics/Laboratory Corporation of America, LabCorp
Classification: Likely pathogenic for Wilson disease. Last evaluated: 2020-02-18. Review status: criteria provided, single submitter. Criteria: LabCorp Variant Classification Summary - May 2015. Collection method: clinical testing. Allele origin: germline.
Comment: Variant summary: ATP7B c.399G>A (p.Trp133X) results in a premature termination codon, predicted to cause a truncation of the encoded protein or absence of the protein due to nonsense mediated decay, which are commonly known mechanisms for disease. Truncations downstream of this position have been classified as pathogenic by our laboratory. The variant was absent in 249318 control chromosomes (gnomAD). To our knowledge, no occurrence of c.399G>A in individuals affected with Wilson Disease and no experimental evidence demonstrating its impact on protein function have been reported. No clinical diagnostic laboratories have submitted clinical-significance assessments for this variant to ClinVar after 2014. Based on the evidence outlined above, the variant was classified as likely pathogenic.

Literature cited by the submitters: PubMed 10441329 (cited by Labcorp Genetics (formerly Invitae), Labcorp); PubMed 16283883 (cited by Labcorp Genetics (formerly Invitae), Labcorp).

NM_000053.4(ATP7B):c.399G>A (p.Trp133Ter)

Gene: ATP7B (ATPase copper transporting beta; minus strand). Cytogenetic location: 13q14.3.
Variant type: single nucleotide variant.
Coding change: c.399G>A on transcript NM_000053.4 (MANE Select); coding-DNA position 399, G replaced by A.
Protein change: p.Trp133Ter; replaces tryptophan 133 with a stop codon.
Molecular consequence: nonsense.
Genome position (GRCh38, 1-based): chr13:51,974,821, C>T on the plus strand (G>A on the coding strand, the complement: ATP7B is on the minus strand). VCF-style: chr13-51974821-C-T. GRCh37 (hg19) VCF-style: chr13-52548957-C-T.
Other names: c.399G>A, p.Trp133Ter (NM_001005918.3, NM_001243182.2, NM_001330578.2 and 1 more transcripts); short protein forms W133*.
Identifiers: ClinVar variation 917710 (VCV000917710.14), dbSNP rs1033235740, ClinGen allele CA250067596.